The following is an entry in ClinVar:

NM_173500.4(TTBK2):c.3420A>G (p.Pro1140=)

Gene: TTBK2 (tau tubulin kinase 2; minus strand). Cytogenetic location: 15q15.2.
Variant type: single nucleotide variant.
Coding change: c.3420A>G on transcript NM_173500.4 (MANE Select); coding-DNA position 3420, A replaced by G.
Protein change: p.Pro1140=; no amino-acid change (proline 1140 retained).
Molecular consequence: synonymous variant.
Genome position (GRCh38, 1-based): chr15:42,746,110, T>C on the plus strand (A>G on the coding strand, the complement: TTBK2 is on the minus strand). VCF-style: chr15-42746110-T-C. GRCh37 (hg19) VCF-style: chr15-43038308-T-C.
Identifiers: ClinVar variation 735667 (VCV000735667.29), dbSNP rs201347313, ClinGen allele CA7516579.

ClinVar aggregate classification (germline): Benign/Likely benign. Review status: criteria provided, multiple submitters, no conflicts (2 of 4 stars). 4 submissions from 4 submitters: Benign (1); Likely benign (3). Last evaluated 2024-09-30.

Conditions:
Spinocerebellar ataxia type 11 (SCA11). Identifiers: Orphanet 98767, MedGen C1858351, MONDO:0011464, OMIM 604432.

Allele frequency attached by ClinVar (database versions not stated): gnomAD exomes 0.00005 and 0.00006; gnomAD 0.00007 and 0.00008; TOPMed 0.00008; ExAC 0.00009; ESP Exome Variant Server 0.00024.
gnomAD v4.1: 81 of 1,613,672 alleles (0.005%); highest among the groups gnomAD compares: Non-Finnish European, 0.0068%; no homozygotes.

Submissions (4):

Labcorp Genetics (formerly Invitae), Labcorp
Classification: Likely benign. Last evaluated: 2024-09-30. Review status: criteria provided, single submitter. Criteria: Invitae Variant Classification Sherloc (09022015). Collection method: clinical testing. Allele origin: germline.

Athena Diagnostics
Classification: Benign. Last evaluated: 2024-08-29. Review status: criteria provided, single submitter. Criteria: Athena Diagnostics Criteria. Collection method: clinical testing. Allele origin: unknown.

CeGaT Center for Human Genetics Tuebingen
Classification: Likely benign. Last evaluated: 2024-07-01. Review status: criteria provided, single submitter. Criteria: CeGaT Center For Human Genetics Tuebingen Variant Classification Criteria Version 2. Collection method: clinical testing. Allele origin: germline. Affected: yes. Observed: 2 variant alleles.
Comment: TTBK2: BP4, BP7

Illumina Laboratory Services, Illumina
Classification: Likely benign for Spinocerebellar ataxia type 11. Last evaluated: 2018-01-13. Review status: criteria provided, single submitter. Criteria: ICSL Variant Classification Criteria 13 December 2019. Collection method: clinical testing. Allele origin: germline.
Comment: This variant was observed in the ICSL laboratory as part of a predisposition screen in an ostensibly healthy population. It had not been previously curated by ICSL or reported in the Human Gene Mutation Database (HGMD: prior to June 1st, 2018), and was therefore a candidate for classification through an automated scoring system. Utilizing variant allele frequency, disease prevalence and penetrance estimates, and inheritance mode, an automated score was calculated to assess if this variant is too frequent to cause the disease. Based on the score and internal cut-off values, a variant classified as likely benign is not then subjected to further curation. The score for this variant resulted in a classification of likely benign for this disease.